The following is an entry in ClinVar:

NM_000179.3(MSH6):c.3944A>G (p.Lys1315Arg)

Gene: MSH6 (mutS homolog 6; plus strand). Cytogenetic location: 2p16.3.
Variant type: single nucleotide variant.
Coding change: c.3944A>G on transcript NM_000179.3 (MANE Select); coding-DNA position 3944, A replaced by G.
Protein change: p.Lys1315Arg; replaces lysine 1315 with arginine.
Molecular consequence: missense variant.
Genome position (GRCh38, 1-based): chr2:47,806,594, A>G. VCF-style: chr2-47806594-A-G. GRCh37 (hg19) VCF-style: chr2-48033733-A-G.
Other names: c.3554A>G, p.Lys1185Arg (NM_001281492.2); c.3038A>G, p.Lys1013Arg (NM_001281493.2, NM_001281494.2); short protein forms K1315R, K1013R, K1185R.
Identifiers: ClinVar variation 581904 (VCV000581904.11), dbSNP rs1558394245, ClinGen allele CA346761511.

ClinVar aggregate classification (germline): Uncertain significance. Review status: criteria provided, multiple submitters, no conflicts (2 of 4 stars). 3 submissions from 3 submitters: Uncertain significance (3). Last evaluated 2025-07-31.

Conditions:
Hereditary cancer-predisposing syndrome. Also called: Neoplastic Syndromes, Hereditary; Hereditary Cancer Syndrome; Tumor predisposition; Hereditary neoplastic syndrome. Identifiers: Orphanet 140162, MedGen C0027672, MeSH D009386, MONDO:0015356.
Hereditary nonpolyposis colorectal neoplasms. Identifiers: MedGen C0009405, MeSH D003123.

Submissions (3):

Color Diagnostics, LLC DBA Color Health
Classification: Uncertain significance for Hereditary cancer-predisposing syndrome. Last evaluated: 2025-07-31. Review status: criteria provided, single submitter. Criteria: ACMG Guidelines, 2015. Collection method: clinical testing. Allele origin: germline.
Comment: This missense variant replaces lysine with arginine at codon 1315 of the MSH6 protein. Computational prediction suggests that this variant may not impact protein structure and function. To our knowledge, functional studies have not been reported for this variant. This variant has not been reported in individuals affected with MSH6-related disorders in the literature. This variant has not been identified in the general population by the Genome Aggregation Database (gnomAD). The available evidence is insufficient to determine the role of this variant in disease conclusively. Therefore, this variant is classified as a Variant of Uncertain Significance.

Labcorp Genetics (formerly Invitae), Labcorp
Classification: Uncertain significance for Hereditary nonpolyposis colorectal neoplasms. Last evaluated: 2023-10-20. Review status: criteria provided, single submitter. Criteria: Invitae Variant Classification Sherloc (09022015). Collection method: clinical testing. Allele origin: germline.
Comment: This sequence change replaces lysine, which is basic and polar, with arginine, which is basic and polar, at codon 1315 of the MSH6 protein (p.Lys1315Arg). This variant is not present in population databases (gnomAD no frequency). This variant has not been reported in the literature in individuals affected with MSH6-related conditions. ClinVar contains an entry for this variant (Variation ID: 581904). Advanced modeling of protein sequence and biophysical properties (such as structural, functional, and spatial information, amino acid conservation, physicochemical variation, residue mobility, and thermodynamic stability) performed at Invitae indicates that this missense variant is not expected to disrupt MSH6 protein function. In summary, the available evidence is currently insufficient to determine the role of this variant in disease. Therefore, it has been classified as a Variant of Uncertain Significance.

Ambry Genetics
Classification: Uncertain significance for Hereditary cancer-predisposing syndrome. Last evaluated: 2022-09-13. Review status: criteria provided, single submitter. Criteria: Ambry Variant Classification Scheme 2023. Collection method: clinical testing. Allele origin: germline.
Comment: The p.K1315R variant (also known as c.3944A>G), located in coding exon 9 of the MSH6 gene, results from an A to G substitution at nucleotide position 3944. The lysine at codon 1315 is replaced by arginine, an amino acid with highly similar properties. This amino acid position is conserved. In addition, this alteration is predicted to be tolerated by in silico analysis. Since supporting evidence is limited at this time, the clinical significance of this alteration remains unclear.